The following is an entry in ClinVar:

ClinVar aggregate classification (germline): Likely pathogenic (1 of 4 stars; one submission).

Conditions:
Intellectual developmental disorder, autosomal dominant 50, with behavioral abnormalities. Also called: MENTAL RETARDATION, AUTOSOMAL DOMINANT 50; Intellectual disability, autosomal dominant 50. Identifiers: MedGen C4540470, MONDO:0030916, OMIM 617787.

Submission:

Greenwood Genetic Center Diagnostic Laboratories, Greenwood Genetic Center
Classification: Likely pathogenic for Intellectual developmental disorder, autosomal dominant 50, with behavioral abnormalities. Last evaluated: 2026-04-15. Review status: criteria provided, single submitter. Criteria: ACMG Guidelines, 2015. Collection method: clinical testing. Allele origin: germline. Affected: yes.
Comment: PVS1, PM2

NM_057175.5(NAA15):c.1152del (p.His383_Tyr384insTer)

Gene: NAA15 (N-alpha-acetyltransferase 15, NatA auxiliary subunit; plus strand). Cytogenetic location: 4q31.1.
Variant type: Deletion.
Coding change: c.1152del on transcript NM_057175.5 (MANE Select); coding-DNA position 1152, one base deleted (T; older notation c.1152delT).
Protein change: p.His383_Tyr384insTer.
Molecular consequence: nonsense.
Genome position (GRCh38, 1-based): chr4:139,357,450, T deleted. VCF-style (leftmost placement, unchanged base first): chr4-139357449-AT-A. GRCh37 (hg19) VCF-style: chr4-140278603-AT-A.
Other names: c.1152del, p.His383_Tyr384insTer (NM_001410842.1).
Identifiers: ClinVar variation 4891227 (VCV004891227.1).
Genomic context (GRCh38, chr4:139,357,449, plus strand): 5'-ATGGAAAGGAGGAACCACCAACCACATTACTTTGGGTCCAGTACTACTTGGCACAACATT[AT>A]GACAAAATTGGTCAGCCATCTATTGCTTTGGAGTACATAAATACTGCTATTGAAAGTACA-3'